The following is an entry in ClinVar:

NM_001372574.1(ATXN2):c.30G>A (p.Gln10=)

Gene: ATXN2 (ataxin 2; minus strand). Cytogenetic location: 12q24.12.
Variant type: single nucleotide variant.
Coding change: c.30G>A on transcript NM_001372574.1 (MANE Select); coding-DNA position 30, G replaced by A.
Protein change: p.Gln10=; no amino-acid change (glutamine 10 retained).
Molecular consequence: synonymous variant. On other transcripts: non-coding transcript variant (1), intron variant (2).
Genome position (GRCh38, 1-based): chr12:111,599,005, C>T on the plus strand (G>A on the coding strand, the complement: ATXN2 is on the minus strand). VCF-style: chr12-111599005-C-T. GRCh37 (hg19) VCF-style: chr12-112036809-C-T.
Other names: c.30G>A, p.Gln10= (NM_002973.4); c.-28+570G>A (NM_001310123.1); c.-65+570G>A (NM_001310121.1).
Identifiers: ClinVar variation 806946 (VCV000806946.43), dbSNP rs746918429, ClinGen allele CA6791003.
Genomic context (GRCh38, chr12:111,599,005, plus strand): 5'-CGGCGGCTGCTGCTGCTGCTGCTGCTGCTGCTGTTGCTGCTGCTGCTGCTGCTGCTGCTG[C>T]TGCTGCTGCTGCTGGGGCTTCAGCGACATGGTGAGGGGCCCATACACCGGCTCGCACGCC-3'
Protein context (NP_001359503.1, residues 1-20): MSLKPQQQQ[Gln10=]QQQQQQQQQQ

ClinVar aggregate classification (germline): Conflicting classifications of pathogenicity. Review status: criteria provided, conflicting classifications (1 of 4 stars). 2 submissions from 2 submitters: Uncertain significance (1); Likely benign (1). Last evaluated 2025-09-01.

Allele frequency attached by ClinVar (database versions not stated): gnomAD exomes 0.00003; gnomAD 0.00007 and 0.00008; ExAC 0.00009.
gnomAD v4.1: 32 of 1,503,868 alleles (0.0021%); highest among the groups gnomAD compares: African/African-American, 0.013%; no homozygotes.

Submissions (2):

CeGaT Center for Human Genetics Tuebingen
Classification: Likely benign. Last evaluated: 2025-09-01. Review status: criteria provided, single submitter. Criteria: CeGaT Center For Human Genetics Tuebingen Variant Classification Criteria Version 2. Collection method: clinical testing. Allele origin: germline. Affected: yes. Observed: 2 variant alleles.
Comment: ATXN2: BP4, BP7

Breakthrough Genomics
Classification: Uncertain significance. Review status: criteria provided, single submitter. Criteria: ACMG Guidelines, 2015. Collection method: not provided. Allele origin: germline. Inheritance: Autosomal recessive inheritance. Affected: yes.